The following is an entry in ClinVar:

NM_000245.4(MET):c.2905G>T (p.Val969Phe)

Gene: MET (MET proto-oncogene, receptor tyrosine kinase; plus strand). Cytogenetic location: 7q31.2.
Variant type: single nucleotide variant.
Coding change: c.2905G>T on transcript NM_000245.4 (MANE Select); coding-DNA position 2905, G replaced by T.
Protein change: p.Val969Phe; replaces valine 969 with phenylalanine.
Molecular consequence: missense variant.
Genome position (GRCh38, 1-based): chr7:116,771,866, G>T. VCF-style: chr7-116771866-G-T. GRCh37 (hg19) VCF-style: chr7-116411920-G-T.
Other names: c.2959G>T, p.Val987Phe (NM_001127500.3); c.1615G>T, p.Val539Phe (NM_001324402.2); short protein forms V987F, V969F, V539F.
Identifiers: ClinVar variation 822365 (VCV000822365.12), dbSNP rs757925979, ClinGen allele CA368986973.

ClinVar aggregate classification (germline): Uncertain significance. Review status: criteria provided, multiple submitters, no conflicts (2 of 4 stars). 2 submissions from 2 submitters: Uncertain significance (2). Last evaluated 2025-11-13.

Conditions:
Hereditary cancer-predisposing syndrome. Also called: Tumor predisposition; Hereditary Cancer Syndrome; Neoplastic Syndromes, Hereditary; Hereditary neoplastic syndrome. Identifiers: Orphanet 140162, MedGen C0027672, MeSH D009386, MONDO:0015356.
Renal cell carcinoma. Identifiers: Orphanet 217071, MedGen C0007134, MeSH D002292, MONDO:0005086, HP:0005584.

Submissions (2):

Labcorp Genetics (formerly Invitae), Labcorp
Classification: Uncertain significance for Renal cell carcinoma. Last evaluated: 2025-11-13. Review status: criteria provided, single submitter. Criteria: Invitae Variant Classification Sherloc (09022015). Collection method: clinical testing. Allele origin: germline.
Comment: This sequence change replaces valine, which is neutral and non-polar, with phenylalanine, which is neutral and non-polar, at codon 987 of the MET protein (p.Val987Phe). This variant is not present in population databases (gnomAD no frequency). This variant has not been reported in the literature in individuals affected with MET-related conditions. ClinVar contains an entry for this variant (Variation ID: 822365). An algorithm developed to predict the effect of missense changes on protein structure and function (PolyPhen-2) suggests that this variant is likely to be disruptive. In summary, the available evidence is currently insufficient to determine the role of this variant in disease. Therefore, it has been classified as a Variant of Uncertain Significance.

Ambry Genetics
Classification: Uncertain significance for Hereditary cancer-predisposing syndrome. Last evaluated: 2025-03-10. Review status: criteria provided, single submitter. Criteria: Ambry Variant Classification Scheme 2023. Collection method: clinical testing. Allele origin: germline.
Comment: The p.V987F variant (also known as c.2959G>T), located in coding exon 13 of the MET gene, results from a G to T substitution at nucleotide position 2959. The valine at codon 987 is replaced by phenylalanine, an amino acid with highly similar properties. This amino acid position is highly conserved in available vertebrate species. In addition, this alteration is predicted to be deleterious by in silico analysis. Based on the available evidence, the clinical significance of this variant remains unclear.